The following is an entry in ClinVar:

ClinVar aggregate classification (germline): Uncertain significance (1 of 4 stars; one submission).

Allele frequency attached by ClinVar (database versions not stated): gnomAD exomes below 0.00001 and 0.00001; gnomAD 0.00001; ExAC 0.00002; 1000 Genomes Project 30x 0.00031; 1000 Genomes Project 0.00040.
gnomAD v4.1: 6 of 1,613,930 alleles (0.00037%); highest among the groups gnomAD compares: Admixed American, 0.01%; no homozygotes.

Submission:

Labcorp Genetics (formerly Invitae), Labcorp
Classification: Uncertain significance. Last evaluated: 2022-02-28. Review status: criteria provided, single submitter. Criteria: Invitae Variant Classification Sherloc (09022015). Collection method: clinical testing. Allele origin: germline.
Comment: In summary, the available evidence is currently insufficient to determine the role of this variant in disease. Therefore, it has been classified as a Variant of Uncertain Significance. Algorithms developed to predict the effect of missense changes on protein structure and function output the following: SIFT: "Tolerated"; PolyPhen-2: "Benign"; Align-GVGD: "Class C0". The lysine amino acid residue is found in multiple mammalian species, which suggests that this missense change does not adversely affect protein function. This variant has not been reported in the literature in individuals affected with VCAN-related conditions. This variant is present in population databases (rs186162647, gnomAD 0.006%). This sequence change replaces arginine, which is basic and polar, with lysine, which is basic and polar, at codon 1939 of the VCAN protein (p.Arg1939Lys).

NM_004385.5(VCAN):c.5816G>A (p.Arg1939Lys)

Genes: VCAN (versican; plus strand), VCAN-AS1 (VCAN antisense RNA 1; minus strand). Cytogenetic location: 5q14.3.
Variant type: single nucleotide variant.
Coding change: c.5816G>A on transcript NM_004385.5 (MANE Select); coding-DNA position 5816, G replaced by A.
Protein change: p.Arg1939Lys; replaces arginine 1939 with lysine.
Molecular consequence: missense variant. On other transcripts: intron variant (2).
Genome position (GRCh38, 1-based): chr5:83,538,819, G>A. VCF-style: chr5-83538819-G-A. GRCh37 (hg19) VCF-style: chr5-82834638-G-A.
Other names: c.2855G>A, p.Arg952Lys (NM_001164097.2); c.4004-6718G>A (NM_001164098.2); c.1043-6718G>A (NM_001126336.3); short protein forms R1939K, R952K.
Identifiers: ClinVar variation 1365834 (VCV001365834.6), dbSNP rs186162647, ClinGen allele CA3333383.